The following is an entry in ClinVar:

NM_001079843.3(CASZ1):c.4162+13C>T

Gene: CASZ1 (castor zinc finger 1; minus strand). Cytogenetic location: 1p36.22.
Variant type: single nucleotide variant.
Coding change: c.4162+13C>T on transcript NM_001079843.3 (MANE Select); 13 bases into the intron after coding-DNA position 4162, C replaced by T.
Molecular consequence: intron variant.
Genome position (GRCh38, 1-based): chr1:10,642,846, G>A on the plus strand (C>T on the coding strand, the complement: CASZ1 is on the minus strand). VCF-style: chr1-10642846-G-A. GRCh37 (hg19) VCF-style: chr1-10702903-G-A.
Identifiers: ClinVar variation 3003260 (VCV003003260.4), dbSNP rs1441727466, ClinGen allele CA521149420.

ClinVar aggregate classification (germline): Conflicting classifications of pathogenicity. Review status: criteria provided, conflicting classifications (1 of 4 stars). 2 submissions from 2 submitters: Uncertain significance (1); Likely benign (1). Last evaluated 2023-12-06.

Allele frequency attached by ClinVar (database versions not stated): TOPMed below 0.00001; gnomAD exomes 0.00002.
gnomAD v4.1: 25 of 1,610,720 alleles (0.0016%); highest among the groups gnomAD compares: Non-Finnish European, 0.002%; no homozygotes.

Submissions (2):

Labcorp Genetics (formerly Invitae), Labcorp
Classification: Uncertain significance. Last evaluated: 2023-12-06. Review status: criteria provided, single submitter. Criteria: Invitae Variant Classification Sherloc (09022015). Collection method: clinical testing. Allele origin: germline.
Comment: This sequence change falls in intron 20 of the CASZ1 gene. It does not directly change the encoded amino acid sequence of the CASZ1 protein. This variant is present in population databases (no rsID available, gnomAD 0.003%). This variant has not been reported in the literature in individuals affected with CASZ1-related conditions. Algorithms developed to predict the effect of sequence changes on RNA splicing suggest that this variant may create or strengthen a splice site. In summary, the available evidence is currently insufficient to determine the role of this variant in disease. Therefore, it has been classified as a Variant of Uncertain Significance.

Blueprint Genetics
Classification: Likely benign. Last evaluated: 2022-06-06. Review status: criteria provided, single submitter. Criteria: ACMG Guidelines, 2015. Collection method: clinical testing. Allele origin: germline.